The following is an entry in ClinVar:

ClinVar aggregate classification (germline): Uncertain significance (1 of 4 stars; one submission).

Conditions:
Cardiovascular phenotype. Identifiers: MedGen CN230736.

Submission:

Ambry Genetics
Classification: Uncertain significance for Cardiovascular phenotype. Last evaluated: 2022-12-25. Review status: criteria provided, single submitter. Criteria: Ambry Variant Classification Scheme 2023. Collection method: clinical testing. Allele origin: germline.
Comment: The p.K345T variant (also known as c.1034A>C), located in coding exon 10 of the PRDM5 gene, results from an A to C substitution at nucleotide position 1034. The lysine at codon 345 is replaced by threonine, an amino acid with similar properties. This amino acid position is conserved. In addition, this alteration is predicted to be tolerated by in silico analysis. Since supporting evidence is limited at this time, the clinical significance of this alteration remains unclear.

NM_018699.4(PRDM5):c.1034A>C (p.Lys345Thr)

Gene: PRDM5 (PR/SET domain 5; minus strand). Cytogenetic location: 4q27.
Variant type: single nucleotide variant.
Coding change: c.1034A>C on transcript NM_018699.4 (MANE Select); coding-DNA position 1034, A replaced by C.
Protein change: p.Lys345Thr; replaces lysine 345 with threonine.
Molecular consequence: missense variant.
Genome position (GRCh38, 1-based): chr4:120,798,421, T>G on the plus strand (A>C on the coding strand, the complement: PRDM5 is on the minus strand). VCF-style: chr4-120798421-T-G. GRCh37 (hg19) VCF-style: chr4-121719576-T-G.
Other names: c.941A>C, p.Lys314Thr (NM_001300823.2, NM_001300824.2, NM_001379106.1); c.1067A>C, p.Lys356Thr (NM_001379104.1); short protein forms K356T, K314T, K345T.
Identifiers: ClinVar variation 2497580 (VCV002497580.2), dbSNP rs2149283607, ClinGen allele CA358210359.